The following is an entry in ClinVar:

NM_000701.8(ATP1A1):c.1157T>C (p.Met386Thr)

Gene: ATP1A1 (ATPase Na+/K+ transporting subunit alpha 1; plus strand). Cytogenetic location: 1p13.1.
Variant type: single nucleotide variant.
Coding change: c.1157T>C on transcript NM_000701.8 (MANE Select); coding-DNA position 1157, T replaced by C.
Protein change: p.Met386Thr; replaces methionine 386 with threonine.
Molecular consequence: missense variant.
Genome position (GRCh38, 1-based): chr1:116,390,346, T>C. VCF-style: chr1-116390346-T-C. GRCh37 (hg19) VCF-style: chr1-116932968-T-C.
Other names: c.1157T>C, p.Met386Thr (NM_001160233.2); c.1064T>C, p.Met355Thr (NM_001160234.2); short protein forms M355T, M386T.
Identifiers: ClinVar variation 3371995 (VCV003371995.1).

ClinVar aggregate classification (germline): Uncertain significance (1 of 4 stars; one submission).

Submission:

GeneDx
Classification: Uncertain significance. Last evaluated: 2024-04-09. Review status: criteria provided, single submitter. Criteria: GeneDx Variant Classification Process June 2021. Collection method: clinical testing. Allele origin: germline. Affected: yes.
Comment: Not observed at significant frequency in large population cohorts (gnomAD); In silico analysis supports that this missense variant has a deleterious effect on protein structure/function; Has not been previously published as pathogenic or benign to our knowledge